The following is an entry in ClinVar:

ClinVar aggregate classification (germline): Uncertain significance. Review status: criteria provided, multiple submitters, no conflicts (2 of 4 stars). 2 submissions from 2 submitters: Uncertain significance (2). Last evaluated 2025-04-30.

Conditions:
Inborn genetic diseases. Identifiers: MedGen C0950123, MeSH D030342.

gnomAD v4.1: 2 of 1,614,202 alleles (0.00012%); highest among the groups gnomAD compares: East Asian, 0.0045%; no homozygotes.

Submissions (2):

Ambry Genetics
Classification: Uncertain significance for Inborn genetic diseases. Last evaluated: 2025-04-30. Review status: criteria provided, single submitter. Criteria: Ambry Variant Classification Scheme 2023. Collection method: clinical testing. Allele origin: germline.

Labcorp Genetics (formerly Invitae), Labcorp
Classification: Uncertain significance. Last evaluated: 2024-02-17. Review status: criteria provided, single submitter. Criteria: Invitae Variant Classification Sherloc (09022015). Collection method: clinical testing. Allele origin: germline.
Comment: This sequence change replaces valine, which is neutral and non-polar, with alanine, which is neutral and non-polar, at codon 2569 of the SRCAP protein (p.Val2569Ala). This variant is not present in population databases (gnomAD no frequency). This variant has not been reported in the literature in individuals affected with SRCAP-related conditions. Advanced modeling of protein sequence and biophysical properties (such as structural, functional, and spatial information, amino acid conservation, physicochemical variation, residue mobility, and thermodynamic stability) performed at Invitae indicates that this missense variant is not expected to disrupt SRCAP protein function with a negative predictive value of 80%. In summary, the available evidence is currently insufficient to determine the role of this variant in disease. Therefore, it has been classified as a Variant of Uncertain Significance.

NM_006662.3(SRCAP):c.7706T>C (p.Val2569Ala)

Gene: SRCAP (Snf2 related CREBBP activator protein; plus strand). Cytogenetic location: 16p11.2.
Variant type: single nucleotide variant.
Coding change: c.7706T>C on transcript NM_006662.3 (MANE Select); coding-DNA position 7706, T replaced by C.
Protein change: p.Val2569Ala; replaces valine 2569 with alanine.
Molecular consequence: missense variant.
Genome position (GRCh38, 1-based): chr16:30,737,746, T>C. VCF-style: chr16-30737746-T-C. GRCh37 (hg19) VCF-style: chr16-30749067-T-C.
Other names: c.7706T>C (NM_006662.2); short protein forms V2569A.
Identifiers: ClinVar variation 3614287 (VCV003614287.3).